The following is an entry in ClinVar:

NM_004655.4(AXIN2):c.1285G>C (p.Gly429Arg)

Gene: AXIN2 (axin 2; minus strand). Cytogenetic location: 17q24.1.
Variant type: single nucleotide variant.
Coding change: c.1285G>C on transcript NM_004655.4 (MANE Select); coding-DNA position 1285, G replaced by C.
Protein change: p.Gly429Arg; replaces glycine 429 with arginine.
Molecular consequence: missense variant.
Genome position (GRCh38, 1-based): chr17:65,537,751, C>G on the plus strand (G>C on the coding strand, the complement: AXIN2 is on the minus strand). VCF-style: chr17-65537751-C-G. GRCh37 (hg19) VCF-style: chr17-63533869-C-G.
Other names: c.1285G>C, p.Gly429Arg (NM_001363813.1); short protein forms G429R.
Identifiers: ClinVar variation 3224358 (VCV003224358.1), dbSNP rs773119996, ClinGen allele CA400677818.

ClinVar aggregate classification (germline): Uncertain significance (1 of 4 stars; one submission).

Conditions:
Hereditary cancer-predisposing syndrome. Also called: Tumor predisposition; Hereditary neoplastic syndrome; Hereditary Cancer Syndrome; Neoplastic Syndromes, Hereditary. Identifiers: Orphanet 140162, MedGen C0027672, MeSH D009386, MONDO:0015356.

gnomAD v4.1: 1 of 1,576,380 alleles (0.000063%); highest among the groups gnomAD compares: Non-Finnish European, 0.000086%; no homozygotes.

Submission:

Ambry Genetics
Classification: Uncertain significance for Hereditary cancer-predisposing syndrome. Last evaluated: 2023-11-17. Review status: criteria provided, single submitter. Criteria: Ambry Variant Classification Scheme 2023. Collection method: clinical testing. Allele origin: germline.
Comment: The p.G429R variant (also known as c.1285G>C), located in coding exon 5 of the AXIN2 gene, results from a G to C substitution at nucleotide position 1285. The glycine at codon 429 is replaced by arginine, an amino acid with dissimilar properties. This amino acid position is well conserved in available vertebrate species. In addition, this alteration is predicted to be tolerated by in silico analysis. Since supporting evidence is limited at this time, the clinical significance of this alteration remains unclear.